The following is an entry in ClinVar:

NM_000179.3(MSH6):c.938A>G (p.Lys313Arg)

Gene: MSH6 (mutS homolog 6; plus strand). Cytogenetic location: 2p16.3.
Variant type: single nucleotide variant.
Coding change: c.938A>G on transcript NM_000179.3 (MANE Select); coding-DNA position 938, A replaced by G.
Protein change: p.Lys313Arg; replaces lysine 313 with arginine.
Molecular consequence: missense variant.
Genome position (GRCh38, 1-based): chr2:47,798,921, A>G. VCF-style: chr2-47798921-A-G. GRCh37 (hg19) VCF-style: chr2-48026060-A-G.
Other names: c.548A>G, p.Lys183Arg (NM_001281492.2); c.32A>G, p.Lys11Arg (NM_001281493.2, NM_001281494.2); short protein forms K313R, K11R, K183R.
Identifiers: ClinVar variation 220584 (VCV000220584.16), dbSNP rs753373644, ClinGen allele CA350342.

ClinVar aggregate classification (germline): Uncertain significance. Review status: criteria provided, multiple submitters, no conflicts (2 of 4 stars). 4 submissions from 4 submitters: Uncertain significance (4). Last evaluated 2024-12-23.

Conditions:
Hereditary nonpolyposis colorectal neoplasms. Identifiers: MedGen C0009405, MeSH D003123.
Hereditary cancer-predisposing syndrome. Also called: Hereditary neoplastic syndrome; Tumor predisposition; Hereditary Cancer Syndrome; Neoplastic Syndromes, Hereditary. Identifiers: Orphanet 140162, MedGen C0027672, MeSH D009386, MONDO:0015356.
Lynch syndrome. Identifiers: Orphanet 144, MedGen C4552100, MONDO:0005835. Disease mechanism: loss of function.

Allele frequency attached by ClinVar (database versions not stated): gnomAD exomes below 0.00001.
gnomAD v4.1: 1 of 1,614,196 alleles (0.000062%); highest among the groups gnomAD compares: Non-Finnish European, 0.000085%; no homozygotes.

Submissions (4):

Labcorp Genetics (formerly Invitae), Labcorp
Classification: Uncertain significance for Hereditary nonpolyposis colorectal neoplasms. Last evaluated: 2024-12-23. Review status: criteria provided, single submitter. Criteria: Invitae Variant Classification Sherloc (09022015). Collection method: clinical testing. Allele origin: germline.
Comment: This sequence change replaces lysine, which is basic and polar, with arginine, which is basic and polar, at codon 313 of the MSH6 protein (p.Lys313Arg). This variant is not present in population databases (gnomAD no frequency). This variant has not been reported in the literature in individuals affected with MSH6-related conditions. ClinVar contains an entry for this variant (Variation ID: 220584). Invitae Evidence Modeling of protein sequence and biophysical properties (such as structural, functional, and spatial information, amino acid conservation, physicochemical variation, residue mobility, and thermodynamic stability) indicates that this missense variant is not expected to disrupt MSH6 protein function with a negative predictive value of 95%. In summary, the available evidence is currently insufficient to determine the role of this variant in disease. Therefore, it has been classified as a Variant of Uncertain Significance.

All of Us Research Program, National Institutes of Health
Classification: Uncertain significance for Lynch syndrome. Last evaluated: 2023-08-15. Review status: criteria provided, single submitter. Criteria: ACMG Guidelines, 2015. Collection method: clinical testing. Allele origin: germline. Inheritance: Autosomal dominant inheritance. Observed: 1 variant allele, 1 heterozygote.
Comment: This missense variant replaces lysine with arginine at codon 313 of the MSH6 protein. Computational prediction suggests that this variant may not impact protein structure and function (internally defined REVEL score threshold <= 0.5, PMID: 27666373). To our knowledge, functional studies have not been reported for this variant. This variant has not been reported in individuals affected with MSH6-related disorders in the literature. This variant has not been identified in the general population by the Genome Aggregation Database (gnomAD). The available evidence is insufficient to determine the role of this variant in disease conclusively. Therefore, this variant is classified as a Variant of Uncertain Significance.

This study involves interpretation of variants in research participants for the purpose of population health screening. Participant phenotype was not available at the time of variant classification. Additional details can be found in publication PMID: 35346344, PMCID: PMC8962531

GeneDx
Classification: Uncertain significance. Last evaluated: 2019-08-29. Review status: criteria provided, single submitter. Criteria: GeneDx Variant Classification Process June 2021. Collection method: clinical testing. Allele origin: germline. Affected: yes.
Comment: Not observed in large population cohorts (Lek 2016); In silico analysis, which includes protein predictors and evolutionary conservation, supports that this variant does not alter protein structure/function; Has not been previously published as pathogenic or benign to our knowledge

Ambry Genetics
Classification: Uncertain significance for Hereditary cancer-predisposing syndrome. Last evaluated: 2018-04-06. Review status: criteria provided, single submitter. Criteria: Ambry Variant Classification Scheme 2023. Collection method: clinical testing. Allele origin: germline.
Comment: The p.K313R variant (also known as c.938A>G), located in coding exon 4 of the MSH6 gene, results from an A to G substitution at nucleotide position 938. The lysine at codon 313 is replaced by arginine, an amino acid with highly similar properties. This amino acid position is not well conserved in available vertebrate species. In addition, this alteration is predicted to be tolerated by in silico analysis. In addition, the CoDP in silico tool predicts this alteration to have minor impact on molecular function, with a score of 0.000 (Terui H et al. J. Biomed. Sci. 2013 Apr;20:25). Since supporting evidence is limited at this time, the clinical significance of this alteration remains unclear.